The following is an entry in ClinVar:

ClinVar aggregate classification (germline): Likely pathogenic (1 of 4 stars; one submission).

Conditions:
Acyl-CoA oxidase deficiency. Also called: Peroxisomal acyl-CoA oxidase deficiency; STRAIGHT-CHAIN ACYL-CoA OXIDASE DEFICIENCY; Pseudoneonatal adrenoleukodystrophy. Identifiers: Orphanet 2971, MedGen C1849678, MONDO:0009919, OMIM 264470. Disease mechanism: loss of function.

Submission:

Natera, Inc.
Classification: Likely pathogenic for Peroxisomal acyl-CoA oxidase deficiency. Last evaluated: 2024-05-01. Review status: criteria provided, single submitter. Criteria: Natera Variant Classification Schema (03/2026). Collection method: clinical testing. Allele origin: germline.
Comment: The c.983delA variant in ACOX1 is a frameshift variant predicted to shift the reading frame beginning at codon 328 and leads to a stop codon 21 codons downstream. This variant is expected to result in nonsense mediated decay, truncation, or a dysfunctional protein product. This variant is rare in the general population with a frequency below the threshold expected for the associated phenotype(s). Given the available evidence, this variant is classified as Likely Pathogenic.

NM_004035.7(ACOX1):c.983del (p.Gln328fs)

Gene: ACOX1 (acyl-CoA oxidase 1; minus strand). Cytogenetic location: 17q25.1.
Variant type: Deletion.
Coding change: c.983del on transcript NM_004035.7 (MANE Select); coding-DNA position 983, one base deleted (A; older notation c.983delA).
Protein change: p.Gln328fs; shifts the reading frame from glutamine 328.
Molecular consequence: frameshift variant.
Genome position (GRCh38, 1-based): chr17:75,951,539, T deleted on the plus strand (A on the coding strand, the reverse complement: ACOX1 is on the minus strand). VCF-style (leftmost placement, unchanged base first): chr17-75951538-CT-C. GRCh37 (hg19) VCF-style: chr17-73947619-CT-C.
Other names: c.869del, p.Gln290fs (NM_001185039.2); c.983del, p.Gln328fs (NM_007292.6); short protein forms Q290fs, Q328fs.
Identifiers: ClinVar variation 4815330 (VCV004815330.1).